The following is an entry in ClinVar:

NM_020831.6(MRTFA):c.2575G>T (p.Gly859Ter)

Gene: MRTFA (myocardin related transcription factor A; minus strand). Cytogenetic location: 22q13.1.
Variant type: single nucleotide variant.
Coding change: c.2575G>T on transcript NM_020831.6 (MANE Select); coding-DNA position 2575, G replaced by T.
Protein change: p.Gly859Ter; replaces glycine 859 with a stop codon.
Molecular consequence: nonsense.
Genome position (GRCh38, 1-based): chr22:40,416,989, C>A on the plus strand (G>T on the coding strand, the complement: MRTFA is on the minus strand). VCF-style: chr22-40416989-C-A. GRCh37 (hg19) VCF-style: chr22-40812993-C-A.
Other names: c.2275G>T, p.Gly759Ter (NM_001282660.2); c.2425G>T, p.Gly809Ter (NM_001282661.3); c.2575G>T, p.Gly859Ter (NM_001282662.3); c.2380G>T, p.Gly794Ter (NM_001318139.2); short protein forms G759*, G794*, G859*, G809*.
Identifiers: ClinVar variation 3640731 (VCV003640731.2).

ClinVar aggregate classification (germline): Uncertain significance (1 of 4 stars; one submission).

Submission:

Labcorp Genetics (formerly Invitae), Labcorp
Classification: Uncertain significance. Last evaluated: 2024-02-14. Review status: criteria provided, single submitter. Criteria: Invitae Variant Classification Sherloc (09022015). Collection method: clinical testing. Allele origin: germline.
Comment: This sequence change creates a premature translational stop signal (p.Gly759*) in the MKL1 gene. While this is not anticipated to result in nonsense mediated decay, it is expected to disrupt the last 173 amino acid(s) of the MKL1 protein. This variant is not present in population databases (gnomAD no frequency). This variant has not been reported in the literature in individuals affected with MKL1-related conditions. Experimental studies and prediction algorithms are not available or were not evaluated, and the functional significance of this variant is currently unknown. In summary, the available evidence is currently insufficient to determine the role of this variant in disease. Therefore, it has been classified as a Variant of Uncertain Significance.